The following is an entry in ClinVar:

ClinVar aggregate classification (germline): Uncertain significance (1 of 4 stars; one submission).

Conditions:
Early-infantile DEE. Also called: Early infantile epileptic encephalopathy with suppression bursts; Early infantile epileptic encephalopathy; Ohtahara syndrome. Identifiers: Orphanet 1934, MedGen C0393706, MONDO:0800491.

Submission:

Labcorp Genetics (formerly Invitae), Labcorp
Classification: Uncertain significance for Early-infantile DEE. Last evaluated: 2020-12-22. Review status: criteria provided, single submitter. Criteria: Invitae Variant Classification Sherloc (09022015). Collection method: clinical testing. Allele origin: germline.
Comment: This variant is not present in population databases (ExAC no frequency). This sequence change replaces phenylalanine with leucine at codon 379 of the CACNA2D2 protein (p.Phe379Leu). The phenylalanine residue is highly conserved and there is a small physicochemical difference between phenylalanine and leucine. This variant has not been reported in the literature in individuals with CACNA2D2-related conditions. In summary, the available evidence is currently insufficient to determine the role of this variant in disease. Therefore, it has been classified as a Variant of Uncertain Significance. Algorithms developed to predict the effect of missense changes on protein structure and function are either unavailable or do not agree on the potential impact of this missense change (SIFT: "Deleterious"; PolyPhen-2: "Probably Damaging"; Align-GVGD: "Class C0").

NM_006030.4(CACNA2D2):c.1135T>C (p.Phe379Leu)

Gene: CACNA2D2 (calcium voltage-gated channel auxiliary subunit alpha2delta 2; minus strand). Cytogenetic location: 3p21.31.
Variant type: single nucleotide variant.
Coding change: c.1135T>C on transcript NM_006030.4 (MANE Select); coding-DNA position 1135, T replaced by C.
Protein change: p.Phe379Leu; replaces phenylalanine 379 with leucine.
Molecular consequence: missense variant.
Genome position (GRCh38, 1-based): chr3:50,379,449, A>G on the plus strand (T>C on the coding strand, the complement: CACNA2D2 is on the minus strand). VCF-style: chr3-50379449-A-G. GRCh37 (hg19) VCF-style: chr3-50416880-A-G.
Other names: c.1135T>C, p.Phe379Leu (NM_001005505.3, NM_001174051.3); c.928T>C, p.Phe310Leu (NM_001291101.1); short protein forms F379L, F310L.
Identifiers: ClinVar variation 1358591 (VCV001358591.9), dbSNP rs2106661072, ClinGen allele CA352935282.
Genomic context (GRCh38, chr3:50,379,449, plus strand): 5'-CTCTACTCCCCCAGCCGCCCACTTGCCCACCCATGGGGCTCACGTTCTGCAGCTGGTCAA[A>G]GGCATACTCAAAGCCGGCCTTGTAGCCTGTGGTGCCCTTGGCCACCATGCCCTGCACAGC-3'
Protein context (NP_006021.2, residues 369-389): TGYKAGFEYA[Phe379Leu]DQLQNSNITR